The following is an entry in ClinVar:

NM_006514.4(SCN10A):c.1342T>C (p.Ser448Pro)

Gene: SCN10A (sodium voltage-gated channel alpha subunit 10; minus strand). Cytogenetic location: 3p22.2.
Variant type: single nucleotide variant.
Coding change: c.1342T>C on transcript NM_006514.4 (MANE Select); coding-DNA position 1342, T replaced by C.
Protein change: p.Ser448Pro; replaces serine 448 with proline.
Molecular consequence: missense variant.
Genome position (GRCh38, 1-based): chr3:38,755,907, A>G on the plus strand (T>C on the coding strand, the complement: SCN10A is on the minus strand). VCF-style: chr3-38755907-A-G. GRCh37 (hg19) VCF-style: chr3-38797398-A-G.
Other names: c.1342T>C, p.Ser448Pro (NM_001293306.2, NM_001293307.2); short protein forms S448P.
Identifiers: ClinVar variation 3793135 (VCV003793135.1).

ClinVar aggregate classification (germline): Uncertain significance (1 of 4 stars; one submission).

Conditions:
Cardiovascular phenotype. Identifiers: MedGen CN230736.

gnomAD v4.1: 8 of 1,614,206 alleles (0.0005%); highest among the groups gnomAD compares: Non-Finnish European, 0.00068%; no homozygotes.

Submission:

Ambry Genetics
Classification: Uncertain significance for Cardiovascular phenotype. Last evaluated: 2024-12-17. Review status: criteria provided, single submitter. Criteria: Ambry Variant Classification Scheme 2023. Collection method: clinical testing. Allele origin: germline.
Comment: The p.S448P variant (also known as c.1342T>C), located in coding exon 10 of the SCN10A gene, results from a T to C substitution at nucleotide position 1342. The serine at codon 448 is replaced by proline, an amino acid with similar properties. This amino acid position is conserved. In addition, the in silico prediction for this alteration is inconclusive. Based on the available evidence, the clinical significance of this variant remains unclear.